The following is an entry in ClinVar:

ClinVar aggregate classification (germline): Conflicting classifications of pathogenicity. Review status: criteria provided, conflicting classifications (1 of 4 stars). 3 submissions from 3 submitters: Uncertain significance (1); Likely benign (1). 1 of the submissions does not count toward it. Last evaluated 2024-12-12.

Conditions:
Neuronal ceroid lipofuscinosis 2. Also called: TPP1-Related Neuronal Ceroid-Lipofuscinosis; JANSKY-BIELSCHOWSKY DISEASE NEURONAL CEROID LIPOFUSCINOSIS, LATE INFANTILE. Identifiers: Orphanet 168491, Orphanet 228349, Orphanet 79264, MedGen C1876161, MONDO:0008769, OMIM 204500.

Allele frequency attached by ClinVar (database versions not stated): gnomAD exomes below 0.00001 and 0.00002; ExAC 0.00002; TOPMed 0.00003; gnomAD 0.00005 and 0.00006; ESP Exome Variant Server 0.00008.

Submissions (3):

Labcorp Genetics (formerly Invitae), Labcorp
Classification: Likely benign. Last evaluated: 2024-12-12. Review status: criteria provided, single submitter. Criteria: Invitae Variant Classification Sherloc (09022015). Collection method: clinical testing. Allele origin: germline.

GeneDx
Classification: Uncertain significance. Last evaluated: 2019-10-14. Review status: criteria provided, single submitter. Criteria: GeneDx Variant Classification Process June 2021. Collection method: clinical testing. Allele origin: germline. Affected: yes.
Comment: In silico analysis, which includes protein predictors and evolutionary conservation, supports that this variant does not alter protein structure/function; Has not been previously published as pathogenic or benign to our knowledge

Natera, Inc.
Classification: Uncertain significance for Neuronal ceroid lipofuscinosis 2. Last evaluated: 2020-10-23. Review status: no assertion criteria provided. Collection method: clinical testing. Allele origin: germline. Not counted in ClinVar's aggregate classification.

NM_000391.4(TPP1):c.323C>T (p.Ala108Val)

Gene: TPP1 (tripeptidyl peptidase 1; minus strand). Cytogenetic location: 11p15.4.
Variant type: single nucleotide variant.
Coding change: c.323C>T on transcript NM_000391.4 (MANE Select); coding-DNA position 323, C replaced by T.
Protein change: p.Ala108Val; replaces alanine 108 with valine.
Molecular consequence: missense variant.
Genome position (GRCh38, 1-based): chr11:6,617,683, G>A on the plus strand (C>T on the coding strand, the complement: TPP1 is on the minus strand). VCF-style: chr11-6617683-G-A. GRCh37 (hg19) VCF-style: chr11-6638914-G-A.
Other names: short protein forms A108V.
Identifiers: ClinVar variation 861495 (VCV000861495.12), dbSNP rs374132017, ClinGen allele CA5858991.